The following is an entry in ClinVar:

NM_173344.3(ST3GAL1):c.684-8A>G

Gene: ST3GAL1 (ST3 beta-galactoside alpha-2,3-sialyltransferase 1; minus strand). Cytogenetic location: 8q24.22.
Variant type: single nucleotide variant.
Coding change: c.684-8A>G on transcript NM_173344.3 (MANE Select); 8 bases into the intron before coding-DNA position 684, A replaced by G.
Molecular consequence: intron variant.
Genome position (GRCh38, 1-based): chr8:133,463,467, T>C on the plus strand (A>G on the coding strand, the complement: ST3GAL1 is on the minus strand). VCF-style: chr8-133463467-T-C. GRCh37 (hg19) VCF-style: chr8-134475710-T-C.
Other names: c.684-8A>G (NM_003033.4).
Identifiers: ClinVar variation 788872 (VCV000788872.17), dbSNP rs117461712, ClinGen allele CA4887120.

ClinVar aggregate classification (germline): Benign/Likely benign. Review status: criteria provided, multiple submitters, no conflicts (2 of 4 stars). 3 submissions from 3 submitters: Benign (2); Likely benign (1). Last evaluated 2024-11-01.

Allele frequency attached by ClinVar (database versions not stated): 1000 Genomes Project 30x 0.00250; 1000 Genomes Project 0.00280; gnomAD 0.00628 and 0.00631; TOPMed 0.00654; ExAC 0.00662; gnomAD exomes 0.00718 and 0.00794; ESP Exome Variant Server 0.00753.
gnomAD v4.1: 12,651 of 1,613,740 alleles (0.78%); highest among the groups gnomAD compares: Middle Eastern, 1.2%; 63 homozygotes.

Submissions (3):

CeGaT Center for Human Genetics Tuebingen
Classification: Likely benign. Last evaluated: 2024-11-01. Review status: criteria provided, single submitter. Criteria: CeGaT Center For Human Genetics Tuebingen Variant Classification Criteria Version 2. Collection method: clinical testing. Allele origin: germline. Affected: yes. Observed: 1 variant allele.
Comment: ST3GAL1: BP4, BS2

Labcorp Genetics (formerly Invitae), Labcorp
Classification: Benign. Last evaluated: 2018-06-04. Review status: criteria provided, single submitter. Criteria: Invitae Variant Classification Sherloc (09022015). Collection method: clinical testing. Allele origin: germline.

Breakthrough Genomics
Classification: Benign. Review status: criteria provided, single submitter. Criteria: ACMG Guidelines, 2015. Collection method: not provided. Allele origin: germline. Inheritance: Unknown mechanism. Affected: yes.